The following is an entry in ClinVar:

NM_207122.2(EXT2):c.315_316dup (p.Val106fs)

Gene: EXT2 (exostosin glycosyltransferase 2; plus strand). Cytogenetic location: 11p11.2.
Variant type: Duplication.
Coding change: c.315_316dup on transcript NM_207122.2 (MANE Select); coding-DNA positions 315 to 316, 2 bases duplicated (GG; older notation c.315_316dupGG).
Protein change: p.Val106fs; shifts the reading frame from valine 106.
Molecular consequence: frameshift variant.
Genome position (GRCh38, 1-based): chr11:44,108,027-44,108,028, GG duplicated. VCF-style (leftmost placement, unchanged base first): chr11-44108026-A-AGG. GRCh37 (hg19) VCF-style: chr11-44129576-A-AGG.
Other names: c.414_415dup, p.Val139fs (NM_000401.3); c.315_316dup, p.Val106fs (NM_001178083.3, NM_001389628.1, NM_001389630.1); short protein forms V106fs, V139fs.
Identifiers: ClinVar variation 3383205 (VCV003383205.2).

ClinVar aggregate classification (germline): Pathogenic (1 of 4 stars; one submission).

Conditions:
Exostoses, multiple, type 2 (EXT2). Also called: Hereditary Multiple Osteochondromatosis, Type II; EXOSTOSES, MULTIPLE, TYPE II. Identifiers: Orphanet 321, MedGen C1851413, MONDO:0007586, OMIM 133701.

Submission:

Juno Genomics, Hangzhou Juno Genomics, Inc
Classification: Pathogenic for Exostoses, multiple, type 2. Review status: criteria provided, single submitter. Criteria: ACMG Guidelines, 2015. Collection method: clinical testing. Allele origin: germline. Affected: yes.
Comment: Absent from controls (or at extremely low frequency if recessive) in Genome Aggregation Database, Exome Sequencing Project, 1000 Genomes Project, or Exome Aggregation Consortium.;The prevalence of the variant in affected individuals is significantly increased compared to the prevalence in controls.;Null variant in a gene where loss of function (LOF) is a known mechanism of disease.